The following is an entry in ClinVar:

ClinVar aggregate classification (germline): Uncertain significance (1 of 4 stars; one submission).

Conditions:
Muscular dystrophy-dystroglycanopathy (congenital with impaired intellectual development), type B, 3. Also called: Muscular dystrophy-dystroglycanopathy (congenital with intellectual disability), type B3; MUSCULAR DYSTROPHY, CONGENITAL, POMGNT1-RELATED. Identifiers: MedGen C3150412, MONDO:0013155, OMIM 613151.
Autosomal recessive limb-girdle muscular dystrophy type 2O. Also called: Limb-Girdle Muscular Dystrophy Type 3C; MUSCULAR DYSTROPHY-DYSTROGLYCANOPATHY (LIMB-GIRDLE), TYPE C, 3; MUSCULAR DYSTROPHY-DYSTROGLYCANOPATHY, LIMB-GIRDLE, POMGNT1-RELATED. Identifiers: Orphanet 206564, MedGen C3150417, MONDO:0013161, OMIM 613157.

Submission:

Labcorp Genetics (formerly Invitae), Labcorp
Classification: Uncertain significance for Autosomal recessive limb-girdle muscular dystrophy type 2O; Muscular dystrophy-dystroglycanopathy (congenital with impaired intellectual development), type B, 3. Last evaluated: 2022-03-09. Review status: criteria provided, single submitter. Criteria: Invitae Variant Classification Sherloc (09022015). Collection method: clinical testing. Allele origin: germline.
Comment: This sequence change replaces glycine, which is neutral and non-polar, with aspartic acid, which is acidic and polar, at codon 274 of the POMGNT1 protein (p.Gly274Asp). This variant is not present in population databases (gnomAD no frequency). This variant has not been reported in the literature in individuals affected with POMGNT1-related conditions. ClinVar contains an entry for this variant (Variation ID: 576341). Advanced modeling of protein sequence and biophysical properties (such as structural, functional, and spatial information, amino acid conservation, physicochemical variation, residue mobility, and thermodynamic stability) performed at Invitae indicates that this missense variant is not expected to disrupt POMGNT1 protein function. In summary, the available evidence is currently insufficient to determine the role of this variant in disease. Therefore, it has been classified as a Variant of Uncertain Significance.

NM_017739.4(POMGNT1):c.821G>A (p.Gly274Asp)

Genes: POMGNT1 (protein O-linked mannose N-acetylglucosaminyltransferase 1 (beta 1,2-); minus strand), TSPAN1 (tetraspanin 1; plus strand). Cytogenetic location: 1p34.1.
Variant type: single nucleotide variant.
Coding change: c.821G>A on transcript NM_017739.4 (MANE Select); coding-DNA position 821, G replaced by A.
Protein change: p.Gly274Asp; replaces glycine 274 with aspartic acid.
Molecular consequence: missense variant.
Genome position (GRCh38, 1-based): chr1:46,194,332, C>T on the plus strand (G>A on the coding strand, the complement: POMGNT1 is on the minus strand). VCF-style: chr1-46194332-C-T. GRCh37 (hg19) VCF-style: chr1-46660004-C-T.
Other names: c.821G>A, p.Gly274Asp (NM_001243766.2, NM_001410783.1); c.755G>A, p.Gly252Asp (NM_001290129.3); c.392G>A, p.Gly131Asp (NM_001290130.2); short protein forms G274D, G131D, G252D.
Identifiers: ClinVar variation 576341 (VCV000576341.11), dbSNP rs1557674820, ClinGen allele CA340182993.